The following is an entry in ClinVar:

NM_004656.4(BAP1):c.2015A>G (p.Asp672Gly)

Gene: BAP1 (BRCA1 associated deubiquitinase 1; minus strand). Cytogenetic location: 3p21.1.
Variant type: single nucleotide variant.
Coding change: c.2015A>G on transcript NM_004656.4 (MANE Select); coding-DNA position 2015, A replaced by G.
Protein change: p.Asp672Gly; replaces aspartic acid 672 with glycine.
Molecular consequence: missense variant.
Genome position (GRCh38, 1-based): chr3:52,402,643, T>C on the plus strand (A>G on the coding strand, the complement: BAP1 is on the minus strand). VCF-style: chr3-52402643-T-C. GRCh37 (hg19) VCF-style: chr3-52436659-T-C.
Other names: c.1961A>G, p.Asp654Gly (NM_001410772.1); short protein forms D672G, D654G.
Identifiers: ClinVar variation 2626728 (VCV002626728.4), dbSNP rs2153226205, ClinGen allele CA353096276.

ClinVar aggregate classification (germline): Conflicting classifications of pathogenicity. Review status: criteria provided, conflicting classifications (1 of 4 stars). 2 submissions from 2 submitters: Likely pathogenic (1); Uncertain significance (1). Last evaluated 2025-11-26.

Conditions:
Hereditary cancer-predisposing syndrome. Also called: Tumor predisposition; Hereditary Cancer Syndrome; Hereditary neoplastic syndrome; Neoplastic Syndromes, Hereditary. Identifiers: Orphanet 140162, MedGen C0027672, MeSH D009386, MONDO:0015356.
BAP1-related tumor predisposition syndrome (TPDS1). Also called: Tumor susceptibility linked to germline BAP1 mutations; TUMOR PREDISPOSITION SYNDROME 1; BAP1 tumor predisposition syndrome; COMMON Syndrome. Identifiers: Orphanet 289539, MedGen C3280492, MONDO:0013692, OMIM 614327.

Submissions (2):

Labcorp Genetics (formerly Invitae), Labcorp
Classification: Uncertain significance for BAP1-related tumor predisposition syndrome. Last evaluated: 2025-11-26. Review status: criteria provided, single submitter. Criteria: Invitae Variant Classification Sherloc (09022015). Collection method: clinical testing. Allele origin: germline.
Comment: This sequence change replaces aspartic acid, which is acidic and polar, with glycine, which is neutral and non-polar, at codon 672 of the BAP1 protein (p.Asp672Gly). This variant is not present in population databases (gnomAD no frequency). This missense change has been observed in individual(s) with peritoneal mesothelioma (PMID: 28034829). ClinVar contains an entry for this variant (Variation ID: 2626728). Invitae Evidence Modeling of protein sequence and biophysical properties (such as structural, functional, and spatial information, amino acid conservation, physicochemical variation, residue mobility, and thermodynamic stability) has been performed for this missense variant. However, the output from this modeling did not meet the statistical confidence thresholds required to predict the impact of this variant on BAP1 protein function. Algorithms developed to predict the effect of sequence changes on RNA splicing suggest that this variant may disrupt the consensus splice site. In summary, the available evidence is currently insufficient to determine the role of this variant in disease. Therefore, it has been classified as a Variant of Uncertain Significance.

Ambry Genetics
Classification: Likely pathogenic for Hereditary cancer-predisposing syndrome. Last evaluated: 2024-10-20. Review status: criteria provided, single submitter. Criteria: Ambry Variant Classification Scheme 2023. Collection method: clinical testing. Allele origin: germline.
Comment: The p.D672G variant (also known as c.2015A>G), located in coding exon 16 of the BAP1 gene, results from an A to G substitution at nucleotide position 2015. The aspartic acid at codon 672 is replaced by glycine, an amino acid with similar properties. This variant has been observed in at least one individual with a personal and/or family history that is consistent with BAP1-associated disease (Ambry internal data). This alteration was non-functional in a high throughput genome editing haploid cell survival assay (Waters AJ et al. Nat Genet, 2024 Jul;56:1434-1445). This nucleotide position is highly conserved in available vertebrate species In silico splice site analysis predicts that this alteration will result in the creation or strengthening of a novel splice donor site. This amino acid position is highly conserved in available vertebrate species. In addition, this alteration is predicted to be deleterious by in silico analysis. Based on the majority of available evidence to date, this variant is likely to be pathogenic.

Literature cited by the submitters: PubMed 28034829 (cited by Labcorp Genetics (formerly Invitae), Labcorp); PubMed 38969833 (cited by Ambry Genetics).